The following is an entry in ClinVar:

ClinVar aggregate classification (germline): Benign. Review status: criteria provided, multiple submitters, no conflicts (2 of 4 stars). 3 submissions from 2 submitters: Benign (3). Last evaluated 2018-01-12.

Conditions:
Sacral defect with anterior meningocele. Identifiers: MedGen C1838568, OMIM 600145.
Neural tube defect (NTD). Also called: Neural tube defects. Identifiers: Orphanet 3388, Orphanet 823, MedGen C0027794, MONDO:0018075, HP:0045005.

Allele frequency attached by ClinVar (database versions not stated): gnomAD exomes 0.59950; gnomAD 0.67796 and 0.67885; TOPMed 0.69066; 1000 Genomes Project 0.73942; 1000 Genomes Project 30x 0.74235.
gnomAD v4.1: 104,596 of 154,628 alleles (68%); highest among the groups gnomAD compares: African/African-American, 83%; 36,426 homozygotes.

Submissions (3):

Illumina Laboratory Services, Illumina
Classification: Benign for Neural tube defects, susceptibility to. Last evaluated: 2018-01-12. Review status: criteria provided, single submitter. Criteria: ICSL Variant Classification Criteria 13 December 2019. Collection method: clinical testing. Allele origin: germline.
Comment: This variant was observed in the ICSL laboratory as part of a predisposition screen in an ostensibly healthy population. It had not been previously curated by ICSL or reported in the Human Gene Mutation Database (HGMD: prior to June 1st, 2018), and was therefore a candidate for classification through an automated scoring system. Utilizing variant allele frequency, disease prevalence and penetrance estimates, and inheritance mode, an automated score was calculated to assess if this variant is too frequent to cause the disease. Based on the score and internal cut-off values, a variant classified as benign is not then subjected to further curation. The score for this variant resulted in a classification of benign for this disease.

Illumina Laboratory Services, Illumina
Classification: Benign for Sacral defect with anterior meningocele. Last evaluated: 2018-01-12. Review status: criteria provided, single submitter. Criteria: ICSL Variant Classification Criteria 13 December 2019. Collection method: clinical testing. Allele origin: germline.
Comment: the same text as in the submission from Illumina Laboratory Services, Illumina above.

Breakthrough Genomics
Classification: Benign. Review status: criteria provided, single submitter. Criteria: ACMG Guidelines, 2015. Collection method: not provided. Allele origin: germline. Inheritance: Autosomal dominant inheritance. Affected: yes.

NM_138959.3(VANGL1):c.*505A>G

Gene: VANGL1 (VANGL planar cell polarity protein 1; plus strand). Cytogenetic location: 1p13.1.
Variant type: single nucleotide variant.
Coding change: c.*505A>G on transcript NM_138959.3 (MANE Select); 505 bases downstream of the stop codon, A replaced by G.
Molecular consequence: 3 prime UTR variant.
Genome position (GRCh38, 1-based): chr1:115,691,884, A>G. VCF-style: chr1-115691884-A-G. GRCh37 (hg19) VCF-style: chr1-116234505-A-G.
Other names: c.*505A>G (NM_001172411.2, NM_001172412.2).
Identifiers: ClinVar variation 292025 (VCV000292025.6), dbSNP rs6700610, ClinGen allele CA10607638.